The following is an entry in ClinVar:

ClinVar aggregate classification (germline): Conflicting classifications of pathogenicity. Review status: criteria provided, conflicting classifications (1 of 4 stars). 2 submissions from 2 submitters: Likely pathogenic (1); Uncertain significance (1). Last evaluated 2024-05-13.

Conditions:
Familial thoracic aortic aneurysm and aortic dissection (TAAD). Also called: Thoracic aortic aneurysms and dissections. Identifiers: Orphanet 91387, MedGen C4707243, MONDO:0019625.

Submissions (2):

Labcorp Genetics (formerly Invitae), Labcorp
Classification: Likely pathogenic for Familial thoracic aortic aneurysm and aortic dissection. Last evaluated: 2024-05-13. Review status: criteria provided, single submitter. Criteria: Invitae Variant Classification Sherloc (09022015). Collection method: clinical testing. Allele origin: germline.
Comment: This sequence change replaces aspartic acid, which is acidic and polar, with valine, which is neutral and non-polar, at codon 266 of the TGFBR1 protein (p.Asp266Val). This variant is not present in population databases (gnomAD no frequency). This missense change has been observed in individual(s) with clinical features of autosomal dominant thoracic aortica aneurysm and dissections or Loeys-Dietz syndrome (PMID: 33059708; Invitae). In at least one individual the variant was observed to be de novo. Advanced modeling of protein sequence and biophysical properties (such as structural, functional, and spatial information, amino acid conservation, physicochemical variation, residue mobility, and thermodynamic stability) performed at Invitae indicates that this missense variant is expected to disrupt TGFBR1 protein function with a positive predictive value of 80%. In summary, the currently available evidence indicates that the variant is pathogenic, but additional data are needed to prove that conclusively. Therefore, this variant has been classified as Likely Pathogenic.

GeneDx
Classification: Uncertain significance. Last evaluated: 2024-02-26. Review status: criteria provided, single submitter. Criteria: GeneDx Variant Classification Process June 2021. Collection method: clinical testing. Allele origin: germline. Affected: yes.
Comment: Not observed at significant frequency in large population cohorts (gnomAD); In silico analysis supports that this missense variant has a deleterious effect on protein structure/function; This variant is associated with the following publications: (PMID: 33059708)

Literature cited by the submitters: PubMed 33059708 (cited by Labcorp Genetics (formerly Invitae), Labcorp).

NM_004612.4(TGFBR1):c.797A>T (p.Asp266Val)

Gene: TGFBR1 (transforming growth factor beta receptor 1; plus strand). Cytogenetic location: 9q22.33.
Variant type: single nucleotide variant.
Coding change: c.797A>T on transcript NM_004612.4 (MANE Select); coding-DNA position 797, A replaced by T.
Protein change: p.Asp266Val; replaces aspartic acid 266 with valine.
Molecular consequence: missense variant. On other transcripts: intron variant (2), non-coding transcript variant (4).
Genome position (GRCh38, 1-based): chr9:99,138,081, A>T. VCF-style: chr9-99138081-A-T. GRCh37 (hg19) VCF-style: chr9-101900363-A-T.
Other names: c.320A>T, p.Asp107Val (NM_001407438.1); c.575-4455A>T (NM_001407435.1); c.98-4455A>T (NM_001407437.1); c.566A>T, p.Asp189Val (NM_001130916.3); c.809A>T, p.Asp270Val (NM_001306210.2, NM_001407416.1); c.797A>T, p.Asp266Val (NM_001407417.1); c.602A>T, p.Asp201Val (NM_001407418.1, NM_001407419.1, NM_001407420.1 and 1 more transcripts); c.590A>T, p.Asp197Val (NM_001407423.1, NM_001407424.1, NM_001407425.1 and 8 more transcripts); and 2 more; short protein forms D184V, D189V, D197V, D201V, D266V, D270V, D107V.
Identifiers: ClinVar variation 2780157 (VCV002780157.4), dbSNP rs863223819, ClinGen allele CA374230346.